The following is an entry in ClinVar:

NM_012424.6(RPS6KC1):c.1709T>A (p.Leu570Gln)

Gene: RPS6KC1 (ribosomal protein S6 kinase C1; plus strand). Cytogenetic location: 1q32.3.
Variant type: single nucleotide variant.
Coding change: c.1709T>A on transcript NM_012424.6 (MANE Select); coding-DNA position 1709, T replaced by A.
Protein change: p.Leu570Gln; replaces leucine 570 with glutamine.
Molecular consequence: missense variant. On other transcripts: non-coding transcript variant (4).
Genome position (GRCh38, 1-based): chr1:213,241,185, T>A. VCF-style: chr1-213241185-T-A. GRCh37 (hg19) VCF-style: chr1-213414528-T-A.
Other names: c.1673T>A, p.Leu558Gln (NM_001136138.4); c.1073T>A, p.Leu358Gln (NM_001287218.3, NM_001287219.3, NM_001349654.2); c.314T>A, p.Leu105Gln (NM_001287220.3, NM_001349663.2, NM_001349664.2 and 8 more transcripts); c.1166T>A, p.Leu389Gln (NM_001287221.3, NM_001349648.2, NM_001349649.2 and 4 more transcripts); c.1616T>A, p.Leu539Gln (NM_001349646.2); c.1346T>A, p.Leu449Gln (NM_001349647.2); c.818T>A, p.Leu273Gln (NM_001349657.2, NM_001349658.2); c.653T>A, p.Leu218Gln (NM_001349659.2, NM_001349660.2, NM_001349661.2 and 1 more transcripts); short protein forms L105Q, L218Q, L558Q, L273Q, L449Q, L539Q, L570Q, L358Q.
Identifiers: ClinVar variation 1347855 (VCV001347855.8), dbSNP rs2148940374, ClinGen allele CA344890200.

ClinVar aggregate classification (germline): Uncertain significance (1 of 4 stars; one submission).

gnomAD v4.1: 3 of 1,613,862 alleles (0.00019%); highest among the groups gnomAD compares: Non-Finnish European, 0.00025%; no homozygotes.

Submission:

Labcorp Genetics (formerly Invitae), Labcorp
Classification: Uncertain significance. Last evaluated: 2022-07-05. Review status: criteria provided, single submitter. Criteria: Invitae Variant Classification Sherloc (09022015). Collection method: clinical testing. Allele origin: germline.
Comment: This variant has not been reported in the literature in individuals affected with RPS6KC1-related conditions. This sequence change replaces leucine, which is neutral and non-polar, with glutamine, which is neutral and polar, at codon 570 of the RPS6KC1 protein (p.Leu570Gln). This variant is not present in population databases (gnomAD no frequency). ClinVar contains an entry for this variant (Variation ID: 1347855). Algorithms developed to predict the effect of missense changes on protein structure and function are either unavailable or do not agree on the potential impact of this missense change (SIFT: "Deleterious"; PolyPhen-2: "Possibly Damaging"; Align-GVGD: "Class C0"). In summary, the available evidence is currently insufficient to determine the role of this variant in disease. Therefore, it has been classified as a Variant of Uncertain Significance.